The following is an entry in ClinVar:

NM_001372106.1(DNAH10):c.702C>G (p.Ser234=)

Gene: DNAH10 (dynein axonemal heavy chain 10; plus strand). Cytogenetic location: 12q24.31.
Variant type: single nucleotide variant.
Coding change: c.702C>G on transcript NM_001372106.1 (MANE Select); coding-DNA position 702, C replaced by G.
Protein change: p.Ser234=; no amino-acid change (serine 234 retained).
Molecular consequence: synonymous variant.
Genome position (GRCh38, 1-based): chr12:123,781,160, C>G. VCF-style: chr12-123781160-C-G. GRCh37 (hg19) VCF-style: chr12-124265707-C-G.
Other names: c.519C>G, p.Ser173= (NM_207437.3).
Identifiers: ClinVar variation 740262 (VCV000740262.5), dbSNP rs201348789, ClinGen allele CA6862540.

ClinVar aggregate classification (germline): Benign. Review status: criteria provided, single submitter (1 of 4 stars). 2 submissions from 2 submitters: Benign (1). 1 of the submissions does not count toward it. Last evaluated 2019-01-03.

Conditions:
DNAH10-related disorder. Also called: DNAH10-related condition.

Allele frequency attached by ClinVar (database versions not stated): gnomAD exomes 0.00007 and 0.00018; ExAC 0.00024; ESP Exome Variant Server 0.00062; gnomAD 0.00074 and 0.00077; 1000 Genomes Project 0.00080; TOPMed 0.00093; 1000 Genomes Project 30x 0.00094.
gnomAD v4.1: 215 of 1,614,108 alleles (0.013%); highest among the groups gnomAD compares: African/African-American, 0.25%; no homozygotes.

Submissions (2):

Labcorp Genetics (formerly Invitae), Labcorp
Classification: Benign. Last evaluated: 2019-01-03. Review status: criteria provided, single submitter. Criteria: Invitae Variant Classification Sherloc (09022015). Collection method: clinical testing. Allele origin: germline.

PreventionGenetics, part of Exact Sciences
Classification: Likely benign for DNAH10-related condition. Last evaluated: 2019-04-30. Review status: no assertion criteria provided. Collection method: clinical testing. Allele origin: germline. Not counted in ClinVar's aggregate classification.
Comment: This variant is classified as likely benign based on ACMG/AMP sequence variant interpretation guidelines (Richards et al. 2015 PMID: 25741868, with internal and published modifications).